The following is an entry in ClinVar:

NM_000017.4(ACADS):c.228G>A (p.Gly76=)

Gene: ACADS (acyl-CoA dehydrogenase short chain; plus strand). Cytogenetic location: 12q24.31.
Variant type: single nucleotide variant.
Coding change: c.228G>A on transcript NM_000017.4 (MANE Select); coding-DNA position 228, G replaced by A.
Protein change: p.Gly76=; no amino-acid change (glycine 76 retained).
Molecular consequence: synonymous variant.
Genome position (GRCh38, 1-based): chr12:120,737,003, G>A. VCF-style: chr12-120737003-G-A. GRCh37 (hg19) VCF-style: chr12-121174806-G-A.
Other names: c.228G>A, p.Gly76= (NM_001302554.2).
Identifiers: ClinVar variation 2643398 (VCV002643398.24), dbSNP rs375620690, ClinGen allele CA6830800.

ClinVar aggregate classification (germline): Likely benign (1 of 4 stars; one submission).

Allele frequency attached by ClinVar (database versions not stated): gnomAD exomes below 0.00001; ExAC 0.00001; gnomAD 0.00002; TOPMed 0.00002; ESP Exome Variant Server 0.00008.

Submission:

CeGaT Center for Human Genetics Tuebingen
Classification: Likely benign. Last evaluated: 2023-03-01. Review status: criteria provided, single submitter. Criteria: CeGaT Center For Human Genetics Tuebingen Variant Classification Criteria Version 2. Collection method: clinical testing. Allele origin: germline. Affected: yes. Observed: 1 variant allele.
Comment: ACADS: BP4, BP7